The following is an entry in ClinVar:

NM_021942.6(TRAPPC11):c.374+1G>A

Gene: TRAPPC11 (trafficking protein particle complex subunit 11; plus strand). Cytogenetic location: 4q35.1.
Variant type: single nucleotide variant.
Coding change: c.374+1G>A on transcript NM_021942.6 (MANE Select); the canonical splice donor site of the intron after coding-DNA position 374, G replaced by A.
Molecular consequence: splice donor variant.
Genome position (GRCh38, 1-based): chr4:183,666,427, G>A. VCF-style: chr4-183666427-G-A. GRCh37 (hg19) VCF-style: chr4-184587580-G-A.
Other names: c.374+1G>A (NM_199053.3).
Identifiers: ClinVar variation 2735439 (VCV002735439.3), dbSNP rs2477083166, ClinGen allele CA358859148.

ClinVar aggregate classification (germline): Likely pathogenic (1 of 4 stars; one submission).

Conditions:
Autosomal recessive limb-girdle muscular dystrophy type R18 (LGMDR18). Also called: MUSCULAR DYSTROPHY, LIMB-GIRDLE, AUTOSOMAL RECESSIVE 18; Autosomal recessive limb-girdle muscular dystrophy type 2S; Limb-girdle muscular dystrophy, type 2S. Identifiers: Orphanet 369840, MedGen C4517996, MONDO:0014144, OMIM 615356.

Allele frequency attached by ClinVar (database versions not stated): gnomAD exomes below 0.00001.
gnomAD v4.1: 1 of 1,612,090 alleles (0.000062%); highest among the groups gnomAD compares: Non-Finnish European, 0.000085%; no homozygotes.

Submission:

Labcorp Genetics (formerly Invitae), Labcorp
Classification: Likely pathogenic for Autosomal recessive limb-girdle muscular dystrophy type R18. Last evaluated: 2023-07-13. Review status: criteria provided, single submitter. Criteria: Invitae Variant Classification Sherloc (09022015). Collection method: clinical testing. Allele origin: germline.
Comment: In summary, the currently available evidence indicates that the variant is pathogenic, but additional data are needed to prove that conclusively. Therefore, this variant has been classified as Likely Pathogenic. Algorithms developed to predict the effect of sequence changes on RNA splicing suggest that this variant may disrupt the consensus splice site. This variant is not present in population databases (gnomAD no frequency). This variant has not been reported in the literature in individuals affected with TRAPPC11-related conditions. This sequence change affects a donor splice site in intron 3 of the TRAPPC11 gene. It is expected to disrupt RNA splicing. Variants that disrupt the donor or acceptor splice site typically lead to a loss of protein function (PMID: 16199547), and loss-of-function variants in TRAPPC11 are known to be pathogenic (PMID: 23830518, 26322222).

Literature cited by the submitters: PubMed 16199547; PubMed 23830518; PubMed 26322222.